The following is an entry in ClinVar:

ClinVar aggregate classification (germline): Pathogenic (1 of 4 stars; one submission).

Conditions:
BBS2-related ciliopathy. Identifiers: MedGen CN378634, MONDO:1040048.

Submission:

Myriad Genetics, Inc.
Classification: Pathogenic for BBS2-related ciliopathy. Last evaluated: 2023-09-03. Review status: criteria provided, single submitter. Criteria: Myriad Autosomal Dominant, Autosomal Recessive and X-Linked Classification Criteria (2023). Collection method: clinical testing. Allele origin: unknown.
Comment: NM_031885.3(BBS2):c.1885G>T(E629*) is expected to be pathogenic in the context of Bardet-Biedl syndrome, BBS2-related. This variant is predicted to lead to an abnormal or absent protein product due to the creation of a premature termination codon in BBS2, a gene where loss-of-function variants are known to be pathogenic. Please note: this variant was assessed in the context of healthy population screening.

NM_031885.5(BBS2):c.1885G>T (p.Glu629Ter)

Gene: BBS2 (Bardet-Biedl syndrome 2; minus strand). Cytogenetic location: 16q13.
Variant type: single nucleotide variant.
Coding change: c.1885G>T on transcript NM_031885.5 (MANE Select); coding-DNA position 1885, G replaced by T.
Protein change: p.Glu629Ter; replaces glutamic acid 629 with a stop codon.
Molecular consequence: nonsense. On other transcripts: non-coding transcript variant (5).
Genome position (GRCh38, 1-based): chr16:56,496,992, C>A on the plus strand (G>T on the coding strand, the complement: BBS2 is on the minus strand). VCF-style: chr16-56496992-C-A. GRCh37 (hg19) VCF-style: chr16-56530904-C-A.
Other names: c.1885G>T, p.Glu629Ter (NM_001377456.1); short protein forms E629*.
Identifiers: ClinVar variation 5011522 (VCV005011522.1).